The following is an entry in ClinVar:

ClinVar aggregate classification (germline): Pathogenic (1 of 4 stars; one submission).

Conditions:
Mucopolysaccharidosis, MPS-II (MPS2). Also called: Hunter Syndrome; IDURONATE 2-SULFATASE DEFICIENCY; Mucopolysaccharidosis Type II; Mucopolysaccharidosis type 2; Attenuated MPS (subtype; formerly known as mild MPS II); Severe MPS II. Identifiers: Orphanet 580, Orphanet 79388, MedGen C0026705, MONDO:0010674, OMIM 309900.

Submission:

Laboratory of Diagnosis and Therapy of Lysosomal Disorders, University of Padova
Classification: Pathogenic for Mucopolysaccharidosis, MPS-II. Last evaluated: 2024-06-07. Review status: criteria provided, single submitter. Criteria: ACMG Guidelines, 2015. Collection method: literature only. Allele origin: germline. Affected: yes. Observed: 2 variant alleles.
Comment: Null variant (PVS1_VeryStrong), Absent from controls (or at low frequency) in gnomAD database (PM2_Moderate), Patient’s phenotype or family history highly specific for the disease (PP4_Strong)

Classification method: ACMG Guidelines [PMID:25741868] with modifications

Literature cited by the submitters: PubMed 9501270; PubMed 33676511.

NM_000202.8(IDS):c.240+1G>T

Gene: IDS (iduronate 2-sulfatase; minus strand). Cytogenetic location: Xq28.
Variant type: single nucleotide variant.
Coding change: c.240+1G>T on transcript NM_000202.8 (MANE Select); the canonical splice donor site of the intron after coding-DNA position 240, G replaced by T.
Molecular consequence: splice donor variant.
Genome position (GRCh38, 1-based): chrX:149,504,156, C>A on the plus strand (G>T on the coding strand, the complement: IDS is on the minus strand). VCF-style: chrX-149504156-C-A. GRCh37 (hg19) VCF-style: chrX-148585686-C-A.
Other names: c.14+1G>T (NM_001166550.4); c.240+1G>T (NM_006123.5).
Identifiers: ClinVar variation 3256106 (VCV003256106.2).
Genomic context (GRCh38, chrX:149,504,156, plus strand): 5'-CGCCCCCAACCCTCAGTGCACGAAGCAGCACACACCCACAGCTAGAGGTTCCCAGACATA[C>A]CTGCGCAAAGGCATTCTGGAAGAGGAGGCTGTGGGATGCCAGTTGGTCAATATTTGGGGA-3'